The following is an entry in ClinVar:

NM_000540.3(RYR1):c.10758C>T (p.Ala3586=)

Gene: RYR1 (ryanodine receptor 1; plus strand). Cytogenetic location: 19q13.2.
Variant type: single nucleotide variant.
Coding change: c.10758C>T on transcript NM_000540.3 (MANE Select); coding-DNA position 10758, C replaced by T.
Protein change: p.Ala3586=; no amino-acid change (alanine 3586 retained).
Molecular consequence: synonymous variant.
Genome position (GRCh38, 1-based): chr19:38,527,718, C>T. VCF-style: chr19-38527718-C-T. GRCh37 (hg19) VCF-style: chr19-39018358-C-T.
Other names: c.10743C>T, p.Ala3581= (NM_001042723.2).
Identifiers: ClinVar variation 3073412 (VCV003073412.1), dbSNP rs2514489220, ClinGen allele CA507237590.

ClinVar aggregate classification (germline): Likely benign (1 of 4 stars; one submission).

Conditions:
Malignant hyperthermia, susceptibility to, 1 (MHS1). Also called: Anesthesia related hyperthermia; Malignant hyperpyrexia; Fulminating hyperpyrexia; Pharmacogenic myopathy; RYR1-Related Malignant Hyperthermia Susceptibility; Malignant hyperthermia suceptibility 1. Identifiers: Orphanet 423, MedGen C2930980, MONDO:0007783, OMIM 145600.

Allele frequency attached by ClinVar (database versions not stated): gnomAD exomes below 0.00001.
gnomAD v4.1: 1 of 1,614,046 alleles (0.000062%); highest among the groups gnomAD compares: Non-Finnish European, 0.000085%; no homozygotes.

Submission:

All of Us Research Program, National Institutes of Health
Classification: Likely benign for Malignant hyperthermia, susceptibility to, 1. Last evaluated: 2023-09-17. Review status: criteria provided, single submitter. Criteria: ACMG Guidelines, 2015. Collection method: clinical testing. Allele origin: germline. Inheritance: Autosomal dominant inheritance. Observed: 1 variant allele, 1 heterozygote.
Comment: This study involves interpretation of variants in research participants for the purpose of population health screening. Participant phenotype was not available at the time of variant classification. Additional details can be found in publication PMID: 35346344, PMCID: PMC8962531